The following is an entry in ClinVar:

NM_001972.4(ELANE):c.599G>A (p.Gly200Glu)

Gene: ELANE (elastase, neutrophil expressed; plus strand). Cytogenetic location: 19p13.3.
Variant type: single nucleotide variant.
Coding change: c.599G>A on transcript NM_001972.4 (MANE Select); coding-DNA position 599, G replaced by A.
Protein change: p.Gly200Glu; replaces glycine 200 with glutamic acid.
Molecular consequence: missense variant.
Genome position (GRCh38, 1-based): chr19:855,959, G>A. VCF-style: chr19-855959-G-A. GRCh37 (hg19) VCF-style: chr19-855959-G-A.
Other names: short protein forms G200E.
Identifiers: ClinVar variation 4017392 (VCV004017392.1).

ClinVar aggregate classification (germline): Uncertain significance (1 of 4 stars; one submission).

Conditions:
Inborn genetic diseases. Identifiers: MedGen C0950123, MeSH D030342.

Submission:

Ambry Genetics
Classification: Uncertain significance for Inborn genetic diseases. Last evaluated: 2025-05-16. Review status: criteria provided, single submitter. Criteria: Ambry Variant Classification Scheme 2023. Collection method: clinical testing. Allele origin: germline.
Comment: The p.G200E variant (also known as c.599G>A), located in coding exon 5 of the ELANE gene, results from a G to A substitution at nucleotide position 599. The glycine at codon 200 is replaced by glutamic acid, an amino acid with similar properties. This amino acid position is conserved. In addition, this alteration is predicted to be deleterious by in silico analysis. Based on the available evidence, the clinical significance of this variant remains unclear.